The following is an entry in ClinVar:

NM_017654.4(SAMD9):c.3773C>T (p.Thr1258Ile)

Gene: SAMD9 (sterile alpha motif domain containing 9; minus strand). Cytogenetic location: 7q21.2.
Variant type: single nucleotide variant.
Coding change: c.3773C>T on transcript NM_017654.4 (MANE Select); coding-DNA position 3773, C replaced by T.
Protein change: p.Thr1258Ile; replaces threonine 1258 with isoleucine.
Molecular consequence: missense variant.
Genome position (GRCh38, 1-based): chr7:93,102,325, G>A on the plus strand (C>T on the coding strand, the complement: SAMD9 is on the minus strand). VCF-style: chr7-93102325-G-A. GRCh37 (hg19) VCF-style: chr7-92731638-G-A.
Other names: c.3773C>T, p.Thr1258Ile (NM_001193307.2); short protein forms T1258I.
Identifiers: ClinVar variation 4827029 (VCV004827029.1).

ClinVar aggregate classification (germline): Uncertain significance (1 of 4 stars; one submission).

Conditions:
Inborn genetic diseases. Identifiers: MedGen C0950123, MeSH D030342.

Submission:

Ambry Genetics
Classification: Uncertain significance for Inborn genetic diseases. Last evaluated: 2026-03-13. Review status: criteria provided, single submitter. Criteria: Ambry Variant Classification Scheme 2023. Collection method: clinical testing. Allele origin: germline.
Comment: The p.T1258I variant (also known as c.3773C>T), located in coding exon 1 of the SAMD9 gene, results from a C to T substitution at nucleotide position 3773. The threonine at codon 1258 is replaced by isoleucine, an amino acid with similar properties. This amino acid position is conserved. In addition, this alteration is predicted to be tolerated by in silico analysis. Based on the available evidence, the clinical significance of this variant remains unclear.